The following is an entry in ClinVar:

NM_001845.6(COL4A1):c.3820C>T (p.Pro1274Ser)

Gene: COL4A1 (collagen type IV alpha 1 chain; minus strand). Cytogenetic location: 13q34.
Variant type: single nucleotide variant.
Coding change: c.3820C>T on transcript NM_001845.6 (MANE Select); coding-DNA position 3820, C replaced by T.
Protein change: p.Pro1274Ser; replaces proline 1274 with serine.
Molecular consequence: missense variant.
Genome position (GRCh38, 1-based): chr13:110,169,685, G>A on the plus strand (C>T on the coding strand, the complement: COL4A1 is on the minus strand). VCF-style: chr13-110169685-G-A. GRCh37 (hg19) VCF-style: chr13-110822032-G-A.
Other names: c.3820C>T (NM_001845.4); short protein forms P1274S.
Identifiers: ClinVar variation 1924522 (VCV001924522.6), dbSNP rs1007183451, ClinGen allele CA256250821.

ClinVar aggregate classification (germline): Uncertain significance. Review status: criteria provided, multiple submitters, no conflicts (2 of 4 stars). 2 submissions from 2 submitters: Uncertain significance (2). Last evaluated 2025-11-15.

Allele frequency attached by ClinVar (database versions not stated): gnomAD 0.00001; gnomAD exomes 0.00001; TOPMed 0.00001.
gnomAD v4.1: 14 of 1,613,978 alleles (0.00087%); highest among the groups gnomAD compares: Non-Finnish European, 0.0012%; no homozygotes.

Submissions (2):

Labcorp Genetics (formerly Invitae), Labcorp
Classification: Uncertain significance. Last evaluated: 2025-11-15. Review status: criteria provided, single submitter. Criteria: Invitae Variant Classification Sherloc (09022015). Collection method: clinical testing. Allele origin: germline.
Comment: This sequence change replaces proline, which is neutral and non-polar, with serine, which is neutral and polar, at codon 1274 of the COL4A1 protein (p.Pro1274Ser). This variant is present in population databases (no rsID available, gnomAD 0.007%). This variant has not been reported in the literature in individuals affected with COL4A1-related conditions. ClinVar contains an entry for this variant (Variation ID: 1924522). Invitae Evidence Modeling of protein sequence and biophysical properties (such as structural, functional, and spatial information, amino acid conservation, physicochemical variation, residue mobility, and thermodynamic stability) indicates that this missense variant is not expected to disrupt COL4A1 protein function with a negative predictive value of 95%. In summary, the available evidence is currently insufficient to determine the role of this variant in disease. Therefore, it has been classified as a Variant of Uncertain Significance.

GeneDx
Classification: Uncertain significance. Last evaluated: 2025-04-16. Review status: criteria provided, single submitter. Criteria: GeneDx Variant Classification Process June 2021. Collection method: clinical testing. Allele origin: germline. Affected: yes.
Comment: Not observed at significant frequency in large population cohorts (gnomAD); In silico analysis indicates that this missense variant does not alter protein structure/function; Occurs in the triple helical domain at the Y position in the canonical Gly-X-Y repeat; although this variant may have an effect on normal protein folding and function, missense substitution at the Y position is not a common mechanism of disease; Has not been previously published as pathogenic or benign to our knowledge